The following is an entry in ClinVar:

ClinVar aggregate classification (germline): Pathogenic (1 of 4 stars; one submission).

Conditions:
Gaucher disease. Also called: Acute cerebral Gaucher disease; Cerebroside lipidosis syndrome; Gaucher splenomegaly; Sphingolipidosis 1; Glucocerebrosidosis; Glucosylceramidase deficiency. Identifiers: Orphanet 355, MedGen C0017205, MONDO:0018150.

gnomAD v4.1: 1 of 1,611,258 alleles (0.000062%); highest among the groups gnomAD compares: Admixed American, 0.0017%; no homozygotes.

Submission:

Natera, Inc.
Classification: Pathogenic for Gaucher disease. Last evaluated: 2025-03-26. Review status: criteria provided, single submitter. Criteria: Natera Variant Classification Schema (03/2026). Collection method: clinical testing. Allele origin: germline.
Comment: The c.1363A>G variant in GBA1 is a missense variant predicted to cause substitution of methionine to valine at amino acid 455. This variant is rare in the general population with a frequency below the threshold expected for the associated phenotype(s). This variant has been observed in one or more individuals affected with the associated recessive disease, as either homozygous or compound heterozygous with a second variant (PMID: 33301762, 32165122, 29685539, 15954102). Computational prediction algorithms indicate this variant is likely to affect gene or protein function. Given the available evidence, this variant is classified as Pathogenic.

Literature cited by the submitters: PubMed 33301762; PubMed 32165122; PubMed 29685539; PubMed 15954102.

NM_000157.4(GBA1):c.1363A>G (p.Met455Val)

Genes: GBA1 (glucosylceramidase beta 1; minus strand), LOC106627981 (GBA recombination region; plus strand). Cytogenetic location: 1q22.
Variant type: single nucleotide variant.
Coding change: c.1363A>G on transcript NM_000157.4 (MANE Select); coding-DNA position 1363, A replaced by G.
Protein change: p.Met455Val; replaces methionine 455 with valine.
Molecular consequence: missense variant.
Genome position (GRCh38, 1-based): chr1:155,235,706, T>C on the plus strand (A>G on the coding strand, the complement: GBA1 is on the minus strand). VCF-style: chr1-155235706-T-C. GRCh37 (hg19) VCF-style: chr1-155205497-T-C.
Other names: c.1363A>G, p.Met455Val (NM_001005741.3, NM_001005742.3); c.1102A>G, p.Met368Val (NM_001171811.2); c.1216A>G, p.Met406Val (NM_001171812.2); short protein forms M368V, M406V, M455V.
Identifiers: ClinVar variation 4817719 (VCV004817719.1).